The following is an entry in ClinVar:

ClinVar aggregate classification (germline): Pathogenic (1 of 4 stars; one submission).

Submission:

GeneDx
Classification: Pathogenic. Last evaluated: 2025-06-04. Review status: criteria provided, single submitter. Criteria: GeneDx Variant Classification Process June 2021. Collection method: clinical testing. Allele origin: germline. Affected: yes.
Comment: Identified in at least one patient with LQTS in published literature (PMID: 19841300, 19716085); Frameshift variant predicted to result in protein truncation or nonsense mediated decay in a gene for which loss of function is a known mechanism of disease; Not observed at significant frequency in large population cohorts (gnomAD); This variant is associated with the following publications: (PMID: 19716085, 21035456, 19841300)

NM_000238.4(KCNH2):c.3032del (p.Glu1011fs)

Gene: KCNH2 (potassium voltage-gated channel subfamily H member 2; minus strand). Cytogenetic location: 7q36.1.
Variant type: Deletion.
Coding change: c.3032del on transcript NM_000238.4 (MANE Select); coding-DNA position 3032, one base deleted (A; older notation c.3032delA).
Protein change: p.Glu1011fs; shifts the reading frame from glutamic acid 1011.
Molecular consequence: frameshift variant.
Genome position (GRCh38, 1-based): chr7:150,947,448, T deleted on the plus strand (A on the coding strand, the reverse complement: KCNH2 is on the minus strand). VCF-style (leftmost placement, unchanged base first): chr7-150947447-CT-C. GRCh37 (hg19) VCF-style: chr7-150644535-CT-C.
Other names: c.2012del, p.Glu671fs (NM_172057.3); c.3032delA (NM_000238.2); c.3032del (NM_000238.2); short protein forms E1011fs, E671fs.
Identifiers: ClinVar variation 1191999 (VCV001191999.3), dbSNP rs2116929974, ClinGen allele CA2499218785.